The following is an entry in ClinVar:

NM_001378454.1(ALMS1):c.10698A>C (p.Gln3566His)

Gene: ALMS1 (ALMS1 centrosome and basal body associated protein; plus strand). Cytogenetic location: 2p13.1.
Variant type: single nucleotide variant.
Coding change: c.10698A>C on transcript NM_001378454.1 (MANE Select); coding-DNA position 10698, A replaced by C.
Protein change: p.Gln3566His; replaces glutamine 3566 with histidine.
Molecular consequence: missense variant.
Genome position (GRCh38, 1-based): chr2:73,572,575, A>C. VCF-style: chr2-73572575-A-C. GRCh37 (hg19) VCF-style: chr2-73799702-A-C.
Other names: c.10701A>C, p.Gln3567His (NM_015120.4); short protein forms Q3566H, Q3567H.
Identifiers: ClinVar variation 4988075 (VCV004988075.1).
Genomic context (GRCh38, chr2:73,572,575, plus strand): 5'-GAGCCTCAGCATCAATGTGAATTTGGGAAACAAAGAAGTGATGGATACTACTAAAAGTCA[A>C]GTTAGAGATTATCCAAAACATAATGGACAAATTAGTGATCCACAAAGGGATCAGAAGGTC-3'
Protein context (NP_001365383.1, residues 3556-3576): NKEVMDTTKS[Gln3566His]VRDYPKHNGQ

ClinVar aggregate classification (germline): Uncertain significance (1 of 4 stars; one submission).

Conditions:
ALMS1-related disorder. Also called: ALMS1-related condition.

Submission:

PreventionGenetics, part of Exact Sciences
Classification: Uncertain significance for ALMS1-related condition. Last evaluated: 2026-03-31. Review status: criteria provided, single submitter. Criteria: ACMG Guidelines, 2015. Collection method: clinical testing. Allele origin: germline.
Comment: The ALMS1 c.10701A>C variant is predicted to result in the amino acid substitution p.Arg3567Ser. This variant is also known as c.10707A>C (p.Arg3569Ser) by alternate nomenclature. To our knowledge, this variant has not been reported in the literature. This variant is reported in 0.047% of alleles in individuals of Latino descent in gnomAD. At this time, the clinical significance of this variant is uncertain due to the absence of conclusive functional and genetic evidence.